The following is an entry in ClinVar:

NM_201384.3(PLEC):c.7997C>T (p.Ala2666Val)

Gene: PLEC (plectin; minus strand). Cytogenetic location: 8q24.3.
Variant type: single nucleotide variant.
Coding change: c.7997C>T on transcript NM_201384.3 (MANE Select); coding-DNA position 7997, C replaced by T.
Protein change: p.Ala2666Val; replaces alanine 2666 with valine.
Molecular consequence: missense variant.
Genome position (GRCh38, 1-based): chr8:143,921,824, G>A on the plus strand (C>T on the coding strand, the complement: PLEC is on the minus strand). VCF-style: chr8-143921824-G-A. GRCh37 (hg19) VCF-style: chr8-144995992-G-A.
Other names: c.8078C>T (NM_000445.3, NM_000445.4); c.8078C>T, p.Ala2693Val (NM_000445.5); c.4697C>T, p.Ala1566Val (NM_001410941.1); c.7955C>T, p.Ala2652Val (NM_201378.4); c.7931C>T, p.Ala2644Val (NM_201379.3); c.8408C>T, p.Ala2803Val (NM_201380.4); c.7901C>T, p.Ala2634Val (NM_201381.3); c.7997C>T, p.Ala2666Val (NM_201382.4); and 1 more; short protein forms A2693V, A2803V, A2634V, A2666V, A2670V, A1566V, A2644V, A2652V.
Identifiers: ClinVar variation 2059049 (VCV002059049.5), dbSNP rs548738903, ClinGen allele CA4925457.

ClinVar aggregate classification (germline): Uncertain significance. Review status: criteria provided, multiple submitters, no conflicts (2 of 4 stars). 4 submissions from 4 submitters: Uncertain significance (3). 1 of the submissions does not count toward it. Last evaluated 2025-11-27.

Conditions:
PLEC-related disorder. Also called: PLEC-related condition; PLEC-related disorders.
Inborn genetic diseases. Identifiers: MedGen C0950123, MeSH D030342.
Autosomal recessive limb-girdle muscular dystrophy type 2Q (LGMDR17). Also called: MUSCULAR DYSTROPHY, LIMB-GIRDLE, AUTOSOMAL RECESSIVE 17. Identifiers: Orphanet 254361, MedGen C3150989, MONDO:0013390, OMIM 613723.
Epidermolysis bullosa simplex 5B, with muscular dystrophy (EBS5B). Also called: Epidermolysis bullosa simplex with muscular dystrophy; EPIDERMOLYSIS BULLOSA SIMPLEX AND LIMB-GIRDLE MUSCULAR DYSTROPHY. Identifiers: Orphanet 257, MedGen C2931072, MONDO:0009181, OMIM 226670.
Epidermolysis bullosa simplex with nail dystrophy (EBS5D). Identifiers: MedGen C4225309, MONDO:0014661, OMIM 616487.
Epidermolysis bullosa simplex, Ogna type (EBS5A). Also called: Pidermolysis bullosa simplex 5A, Ogna type; EPIDERMOLYSIS BULLOSA SIMPLEX 5A, OGNA TYPE. Identifiers: Orphanet 79401, MedGen C0432317, MONDO:0007555, OMIM 131950.
Epidermolysis bullosa simplex 5C, with pyloric atresia (EBS5C). Also called: PLEC1-Related Epidermolysis Bullosa with Pyloric Atresia; PLEC-Related Epidermolysis Bullosa with Pyloric Atresia; Epidermolysis bullosa simplex with pyloric atresia. Identifiers: Orphanet 158684, MedGen C2677349, MONDO:0012807, OMIM 612138.

Allele frequency attached by ClinVar (database versions not stated): ExAC 0.00004; gnomAD exomes 0.00005; TOPMed 0.00005; gnomAD 0.00007; 1000 Genomes Project 0.00040; 1000 Genomes Project 30x 0.00047.
gnomAD v4.1: 91 of 1,607,650 alleles (0.0057%); highest among the groups gnomAD compares: South Asian, 0.0088%; no homozygotes.

Submissions (4):

Labcorp Genetics (formerly Invitae), Labcorp
Classification: Uncertain significance for Autosomal recessive limb-girdle muscular dystrophy type 2Q; Epidermolysis bullosa simplex, Ogna type; Epidermolysis bullosa simplex with nail dystrophy; Epidermolysis bullosa simplex 5C, with pyloric atresia; Epidermolysis bullosa simplex 5B, with muscular dystrophy. Last evaluated: 2025-11-27. Review status: criteria provided, single submitter. Criteria: Invitae Variant Classification Sherloc (09022015). Collection method: clinical testing. Allele origin: germline.
Comment: This sequence change replaces alanine, which is neutral and non-polar, with valine, which is neutral and non-polar, at codon 2693 of the PLEC protein (p.Ala2693Val). This variant is present in population databases (rs548738903, gnomAD 0.01%). This variant has not been reported in the literature in individuals affected with PLEC-related conditions. ClinVar contains an entry for this variant (Variation ID: 2059049). An algorithm developed to predict the effect of missense changes on protein structure and function (PolyPhen-2) suggests that this variant is likely to be tolerated. In summary, the available evidence is currently insufficient to determine the role of this variant in disease. Therefore, it has been classified as a Variant of Uncertain Significance.

Ambry Genetics
Classification: Uncertain significance for Inborn genetic diseases. Last evaluated: 2024-02-12. Review status: criteria provided, single submitter. Criteria: Ambry Variant Classification Scheme 2023. Collection method: clinical testing. Allele origin: germline.

GeneDx
Classification: Uncertain significance. Last evaluated: 2023-05-01. Review status: criteria provided, single submitter. Criteria: GeneDx Variant Classification Process June 2021. Collection method: clinical testing. Allele origin: germline. Affected: yes.
Comment: In silico analysis supports that this missense variant does not alter protein structure/function; Has not been previously published as pathogenic or benign to our knowledge

PreventionGenetics, part of Exact Sciences
Classification: Uncertain significance for PLEC-related condition. Last evaluated: 2024-07-29. Review status: no assertion criteria provided. Collection method: clinical testing. Allele origin: germline. Not counted in ClinVar's aggregate classification.
Comment: The PLEC c.8078C>T variant is predicted to result in the amino acid substitution p.Ala2693Val. To our knowledge, this variant has not been reported in the literature. This variant is reported in 0.0099% of alleles in individuals of South Asian descent in gnomAD. At this time, the clinical significance of this variant is uncertain due to the absence of conclusive functional and genetic evidence.